The following is an entry in ClinVar:

ClinVar aggregate classification (germline): Pathogenic (1 of 4 stars; one submission).

Conditions:
Ataxia-telangiectasia syndrome (AT). Also called: Ataxia-telangiectasia, complementation group D; AT, COMPLEMENTATION GROUP C; ATAXIA-TELANGIECTASIA, COMPLEMENTATION GROUP A; ATAXIA-TELANGIECTASIA, FRESNO VARIANT; Ataxia telangiectasia (A-T); Ataxia-telangiectasia. Identifiers: Orphanet 100, MedGen C0004135, MONDO:0008840, OMIM 208900.

Submission:

Labcorp Genetics (formerly Invitae), Labcorp
Classification: Pathogenic for Ataxia-telangiectasia syndrome. Last evaluated: 2022-02-10. Review status: criteria provided, single submitter. Criteria: Invitae Variant Classification Sherloc (09022015). Collection method: clinical testing. Allele origin: germline.
Comment: This sequence change inserts a large fragment of DNA, likely a transposable element, in exon 7 of the ATM gene (c.737_738ins?), causing a frameshift at codon 246 (p.Asn246fs). The exact size and sequence of the insertion cannot be determined by the current assay. However, the insertion is expected to result in an absent or disrupted protein product. This variant is not present in population databases (gnomAD no frequency). For these reasons, this variant has been classified as Pathogenic. Retrotransposon insertions including LINE1 (L1), Alu, and SVA (SINE-VNTR-Alu) have been reported to be disease-causing through disruption of either a coding region or splice site (PMID: 19763152, 20307669, 22406018) and loss-of-function variants in ATM are known to be pathogenic (PMID: 23807571, 25614872). Algorithms developed to predict the effect of sequence changes on RNA splicing suggest that this variant may create or strengthen a splice site. This variant has not been reported in the literature in individuals affected with ATM-related conditions.

Literature cited by the submitters: PubMed 19763152; PubMed 20307669; PubMed 22406018; PubMed 23807571; PubMed 25614872.

NM_000051.4(ATM):c.737_738insAAAACACATGAAGAAATGCTCATCATCACTGGCCATCAGAGAAATGCAAATCAAAACCACTATGAGATATCNNNNNNNNNNAAAAAAAAAAAAAAAAAAAAAAGACTTTGGCTGTCAA (p.Asn246fs)

Gene: ATM (ATM serine/threonine kinase; plus strand). Cytogenetic location: 11q22.3.
Variant type: Insertion.
Coding change: c.737_738insAAAACACATGAAGAAATGCTCATCATCACTGGCCATCAGAGAAATGCAAATCAAAACCACTATGAGATATCNNNNNNNNNNAAAAAAAAAAAAAAAAAAAAAAGACTTTGGCTGTCAA on transcript NM_000051.4 (MANE Select); coding-DNA positions 737 to 738, AAAACACATGAAGAAATGCTCATCATCACTGGCCATCAGAGAAATGCAAATCAAAACCACTATGAGATATCNNNNNNNNNNAAAAAAAAAAAAAAAAAAAAAAGACTTTGGCTGTCAA inserted.
Protein change: p.Asn246fs; shifts the reading frame from asparagine 246.
Molecular consequence: frameshift variant.
Genome position: GRCh38: chr11:108,244,862-108,244,863. GRCh37 (hg19): chr11:108,115,589-108,115,590.
Other names: c.737_738insAAAACACATGAAGAAATGCTCATCATCACTGGCCATCAGAGAAATGCAAATCAAAACCACTATGAGATATCNNNNNNNNNNAAAAAAAAAAAAAAAAAAAAAAGACTTTGGCTGTCAA, p.Asn246fs (NM_001351834.2); short protein forms N246fs.
Identifiers: ClinVar variation 2096236 (VCV002096236.4), dbSNP rs2497148616.